The following is an entry in ClinVar:

NM_001018005.2(TPM1):c.240+4465C>G

Genes: TPM1 (tropomyosin 1; plus strand), TPM1-AS (TPM1 antisense RNA; minus strand), LOC130057222 (ATAC-STARR-seq lymphoblastoid silent region 6507; plus strand). Cytogenetic location: 15q22.2.
Variant type: single nucleotide variant.
Coding change: c.240+4465C>G on transcript NM_001018005.2 (MANE Select); 4465 bases into the intron after coding-DNA position 240, C replaced by G.
Molecular consequence: intron variant. On other transcripts: missense variant (8), non-coding transcript variant (1).
Genome position (GRCh38, 1-based): chr15:63,048,617, C>G. VCF-style: chr15-63048617-C-G. GRCh37 (hg19) VCF-style: chr15-63340816-C-G.
Other names: p.I14M:ATC>ATG; c.42C>G, p.Ile14Met (NM_001365782.1, NM_001365780.1, NM_001365781.2 and 5 more transcripts); c.366+4465C>G (NM_001365778.1); c.240+4786C>G (NM_001018020.2, NM_001018007.2, NM_001301244.2); c.240+4465C>G (NM_001018006.2, NM_001365776.1, NM_001018004.2 and 3 more transcripts); short protein forms I14M.
Identifiers: ClinVar variation 181655 (VCV000181655.8), dbSNP rs730881129, ClinGen allele CA018757.

ClinVar aggregate classification (germline): Likely benign. Review status: criteria provided, single submitter (1 of 4 stars). 2 submissions from 2 submitters: Likely benign (1). 1 of the submissions does not count toward it. Last evaluated 2014-06-18.

Allele frequency attached by ClinVar (database versions not stated): gnomAD 0.00001 and 0.00003; TOPMed 0.00001; gnomAD exomes 0.00002.
gnomAD v4.1: 60 of 1,535,370 alleles (0.0039%); highest among the groups gnomAD compares: Non-Finnish European, 0.0051%; no homozygotes.

Submissions (2):

GeneDx
Classification: Likely benign. Last evaluated: 2014-06-18. Review status: criteria provided, single submitter. Criteria: GeneDx Variant Classification (06012015). Collection method: clinical testing. Allele origin: germline. Affected: yes.
Comment: This variant is considered likely benign or benign based on one or more of the following criteria: it is a conservative change, it occurs at a poorly conserved position in the protein, it is predicted to be benign by multiple in silico algorithms, and/or has population frequency not consistent with disease.

Clinical Genetics DNA and cytogenetics Diagnostics Lab, Erasmus MC, Erasmus Medical Center
Classification: Likely benign. Review status: no assertion criteria provided. Collection method: clinical testing. Allele origin: germline. Affected: yes. Study: VKGL Data-share Consensus. Not counted in ClinVar's aggregate classification.